The following is an entry in ClinVar:

NM_018699.4(PRDM5):c.1474C>G (p.Pro492Ala)

Gene: PRDM5 (PR/SET domain 5; minus strand). Cytogenetic location: 4q27.
Variant type: single nucleotide variant.
Coding change: c.1474C>G on transcript NM_018699.4 (MANE Select); coding-DNA position 1474, C replaced by G.
Protein change: p.Pro492Ala; replaces proline 492 with alanine.
Molecular consequence: missense variant.
Genome position (GRCh38, 1-based): chr4:120,777,251, G>C on the plus strand (C>G on the coding strand, the complement: PRDM5 is on the minus strand). VCF-style: chr4-120777251-G-C. GRCh37 (hg19) VCF-style: chr4-121698406-G-C.
Other names: c.1381C>G, p.Pro461Ala (NM_001300823.2, NM_001300824.2, NM_001379106.1); c.1507C>G, p.Pro503Ala (NM_001379104.1); short protein forms P503A, P461A, P492A.
Identifiers: ClinVar variation 3937785 (VCV003937785.1).

ClinVar aggregate classification (germline): Uncertain significance (1 of 4 stars; one submission).

Conditions:
Cardiovascular phenotype. Identifiers: MedGen CN230736.

Submission:

Ambry Genetics
Classification: Uncertain significance for Cardiovascular phenotype. Last evaluated: 2025-04-05. Review status: criteria provided, single submitter. Criteria: Ambry Variant Classification Scheme 2023. Collection method: clinical testing. Allele origin: germline.
Comment: The p.P492A variant (also known as c.1474C>G), located in coding exon 13 of the PRDM5 gene, results from a C to G substitution at nucleotide position 1474. The proline at codon 492 is replaced by alanine, an amino acid with highly similar properties. This amino acid position is conserved. In addition, the in silico prediction for this alteration is inconclusive. Based on the available evidence, the clinical significance of this variant remains unclear.